The following is an entry in ClinVar:

ClinVar aggregate classification (germline): Uncertain significance (1 of 4 stars; one submission).

gnomAD v4.1: 3 of 1,612,018 alleles (0.00019%); highest among the groups gnomAD compares: African/African-American, 0.004%; no homozygotes.

Submission:

Labcorp Genetics (formerly Invitae), Labcorp
Classification: Uncertain significance. Last evaluated: 2023-07-17. Review status: criteria provided, single submitter. Criteria: Invitae Variant Classification Sherloc (09022015). Collection method: clinical testing. Allele origin: germline.
Comment: This sequence change replaces arginine, which is basic and polar, with proline, which is neutral and non-polar, at codon 379 of the MYO18B protein (p.Arg379Pro). In summary, the available evidence is currently insufficient to determine the role of this variant in disease. Therefore, it has been classified as a Variant of Uncertain Significance. Algorithms developed to predict the effect of missense changes on protein structure and function output the following: SIFT: "Not Available"; PolyPhen-2: "Benign"; Align-GVGD: "Not Available". The proline amino acid residue is found in multiple mammalian species, which suggests that this missense change does not adversely affect protein function. ClinVar contains an entry for this variant (Variation ID: 2120973). This variant has not been reported in the literature in individuals affected with MYO18B-related conditions. This variant is present in population databases (no rsID available, gnomAD 0.01%).

NM_032608.7(MYO18B):c.1136G>C (p.Arg379Pro)

Gene: MYO18B (myosin XVIIIB; plus strand). Cytogenetic location: 22q12.1.
Variant type: single nucleotide variant.
Coding change: c.1136G>C on transcript NM_032608.7 (MANE Select); coding-DNA position 1136, G replaced by C.
Protein change: p.Arg379Pro; replaces arginine 379 with proline.
Molecular consequence: missense variant.
Genome position (GRCh38, 1-based): chr22:25,769,052, G>C. VCF-style: chr22-25769052-G-C. GRCh37 (hg19) VCF-style: chr22-26165019-G-C.
Other names: c.1136G>C, p.Arg379Pro (NM_001318245.2); short protein forms R379P.
Identifiers: ClinVar variation 2120973 (VCV002120973.4), dbSNP rs750078923, ClinGen allele CA411004216.
Genomic context (GRCh38, chr22:25,769,052, plus strand): 5'-GCCAAGTGCAGGGCGAGTTGGGGGACGATCTGAGAATGGGGGAGAAAGCAGGTGAGCTTC[G>C]GAGCACGACTGGGAAGGCAGGTGAGTCCTGGGATAAGAAGGAAAAGATGGGGCAACCCCA-3'
Protein context (NP_115997.5, residues 369-389): LRMGEKAGEL[Arg379Pro]STTGKAGESW